The following is an entry in ClinVar:

ClinVar aggregate classification (germline): Pathogenic/Likely pathogenic. Review status: criteria provided, multiple submitters, no conflicts (2 of 4 stars). 4 submissions from 4 submitters: Pathogenic (1); Likely pathogenic (2). 1 of the submissions does not count toward it. Last evaluated 2026-04-30.

Conditions:
Rare genetic deafness. Identifiers: Orphanet 96210, MedGen C5680250.
Autosomal recessive nonsyndromic hearing loss 63. Identifiers: Orphanet 90636, MedGen C1969621, MONDO:0012670, OMIM 611451.

Allele frequency attached by ClinVar (database versions not stated): gnomAD 0.00001 and 0.00002; TOPMed 0.00004; gnomAD exomes 0.00005; ExAC 0.00009; 1000 Genomes Project 0.00020; 1000 Genomes Project 30x 0.00031.
gnomAD v4.1: 21 of 1,480,142 alleles (0.0014%); highest among the groups gnomAD compares: Admixed American, 0.0043%; no homozygotes.

Submissions (4):

Laboratory of Molecular, Cellular and Translation Genetics in Otolaryngology/ Lim32-hcfmusp, University of Sao Paulo School of Medicine Clinics Hospital
Classification: Likely pathogenic for Autosomal recessive nonsyndromic hearing loss 63. Last evaluated: 2026-04-30. Review status: criteria provided, single submitter. Criteria: ACMG Guidelines, 2015. Collection method: research. Allele origin: germline. Affected: yes.
Comment: NM_001145308.5::c.358+4A>C. This variant has been classified as likely pathogenic. It is rare in population databases (PM2_supporting), and in silico prediction tools support a deleterious effect on splicing (PP3). It has been previously reported in trans with other pathogenic LRTOMT variants (PM3; see PMID below) and has been shown to segregate with hearing loss in affected families (PP1). Functional studies further support its damaging effect on the gene product (PS3_supporting). These findings further support the causative role of this variant in autosomal recessive hearing loss as described in PMID: 42233699.

Labcorp Genetics (formerly Invitae), Labcorp
Classification: Pathogenic. Last evaluated: 2023-12-24. Review status: criteria provided, single submitter. Criteria: Invitae Variant Classification Sherloc (09022015). Collection method: clinical testing. Allele origin: germline.
Comment: This sequence change falls in intron 5 of the LRTOMT gene. It does not directly change the encoded amino acid sequence of the LRTOMT protein. RNA analysis indicates that this variant induces altered splicing and likely disrupts the C-terminus of the protein. This variant is present in population databases (rs545947177, gnomAD 0.01%). This variant has been observed in individual(s) with autosomal recessive nonsyndromic deafness (PMID: 17211611, 18953341). ClinVar contains an entry for this variant (Variation ID: 179792). Variants that disrupt the consensus splice site are a relatively common cause of aberrant splicing (PMID: 17576681, 9536098). Studies have shown that this variant results in skipping of exon 5 (also known as exon 8) and introduces a new termination codon (PMID: 18953341). However the mRNA is not expected to undergo nonsense-mediated decay. This variant disrupts a region of the LRTOMT protein in which other variant(s) (p.Arg219*) have been determined to be pathogenic (PMID: 26166082, 26969326, 35939872). This suggests that this is a clinically significant region of the protein, and that variants that disrupt it are likely to be disease-causing. For these reasons, this variant has been classified as Pathogenic.

Laboratory for Molecular Medicine, Mass General Brigham Personalized Medicine
Classification: Likely pathogenic for Rare genetic deafness. Last evaluated: 2014-07-01. Review status: criteria provided, single submitter. Criteria: LMM Criteria. Collection method: clinical testing. Allele origin: germline. Observed: 1 variant allele.
Comment: The 358+4A>C variant in LRTOMT has been reported in a Turkish family with hearin g loss (Ahmed 2008, Kalay 2007), in which affected family members were homozygou s for this variant. In addition, the variant is absent in 176 race matched chrom osomes (Ahmed 2008) and from large population studies. This variant is located i n the 5' splice region and functional studies have shown that the variant result s in exon-skipping and leads to a frameshift and a premature stop codon (Ahmed 2 008). Although these findings suggest that loss of function variants in LRTOMT a re causative for hearing loss, the exact mechanism of disease for LRTOMT related hearing loss has not been established. In summary, although additional studies are required to fully establish its clinical significance, this variant is likel y pathogenic.

OMIM
Classification: Pathogenic for DEAFNESS, AUTOSOMAL RECESSIVE 63. Last evaluated: 2008-11-01. Review status: no assertion criteria provided. Collection method: literature only. Allele origin: germline. Not counted in ClinVar's aggregate classification.

Literature cited by the submitters: PubMed 18953341 (cited by 4 submitters); PubMed 17211611 (cited by 3 submitters); PubMed 42233699 (cited by Laboratory of Molecular, Cellular and Translation Genetics in Otolaryngology/ Lim32-hcfmusp, University of Sao Paulo School of Medicine Clinics Hospital); PubMed 17576681 (cited by Labcorp Genetics (formerly Invitae), Labcorp); PubMed 9536098 (cited by Labcorp Genetics (formerly Invitae), Labcorp); PubMed 26166082 (cited by Labcorp Genetics (formerly Invitae), Labcorp); PubMed 26969326 (cited by Labcorp Genetics (formerly Invitae), Labcorp); PubMed 35939872 (cited by Labcorp Genetics (formerly Invitae), Labcorp).

NM_001145308.5(LRTOMT):c.358+4A>C

Genes: LRTOMT (leucine rich transmembrane and O-methyltransferase domain containing; plus strand), TOMT (transmembrane O-methyltransferase; plus strand). Cytogenetic location: 11q13.4.
Variant type: single nucleotide variant.
Coding change: c.358+4A>C on transcript NM_001145308.5; 4 bases into the intron after coding-DNA position 358, A replaced by C.
Molecular consequence: intron variant.
Genome position (GRCh38, 1-based): chr11:72,106,214, A>C. VCF-style: chr11-72106214-A-C. GRCh37 (hg19) VCF-style: chr11-71817260-A-C.
Other names: IVS8DS, A-C, +4; c.358+4A>C (NM_001145309.4); c.238+4A>C (NM_001145310.4); c.259+4A>C (NM_001393500.2).
Identifiers: ClinVar variation 179792 (VCV000179792.9), dbSNP rs545947177, ClinGen allele CA273655.
Genomic context (GRCh38, chr11:72,106,214, plus strand): 5'-CCCTGGACCACTGGAGCAGCCGCTGCGAGTACTTGAGCCACATGGGGCCTGTCAAAGGTC[A>C]GTGTTCCCTAGCCTTCTGCTCCAAGAAGTACCCCCAAGACAGTGAAGGAATATTTGGGAT-3'